The following is an entry in ClinVar:

ClinVar aggregate classification (germline): Uncertain significance (1 of 4 stars; one submission).

Conditions:
Microcephaly 18, primary, autosomal dominant (MCPH18). Identifiers: MedGen C4479608, MONDO:0054593, OMIM 617520.

Submission:

Victorian Clinical Genetics Services, Murdoch Childrens Research Institute
Classification: Uncertain significance for Microcephaly 18, primary, autosomal dominant. Last evaluated: 2020-05-26. Review status: criteria provided, single submitter. Criteria: ACMG Guidelines, 2015. Collection method: clinical testing. Allele origin: germline. Inheritance: Autosomal dominant inheritance. Affected: yes.
Comment: Based on the classification scheme VCGS_Germline_v1.1.1, this variant is classified as 3B -VUS. Following criteria are met: 0102 - Loss-of-function is a known mechanism of disease for this gene. (N) 0107 - This gene is known to be associated with autosomal dominant disease. (N) 0200 - Variant is predicted to result in a missense amino acid change from valine to leucine (exon 44). (N) 0251 - Variant is heterozygous. (N) 0301 - Variant is absent from gnomAD. (P) 0309 - An alternative amino acid change at the same position has been observed in gnomAD v2 (3 Heterozygotes, 0 Homozygotes). (N) 0502 - Missense variant with conflicting in silico predictions and/or uninformative conservation. (N) 0604 - Variant is not located in an established domain, motif, hotspot or informative constraint region. (N) 0705 - No comparable variants have previous evidence for pathogenicity. (N) 0807 - Variant has not previously been reported in a clinical context. (N) 0905 - No segregation evidence has been identified for this variant. (N) 1007 - No published functional evidence has been identified for this variant in the literature. (N) 1208 - Inheritance information for this variant is not currently available. (N) Legend: (P) - Pathogenic, (N) - Neutral, (B) - Benign

Literature cited by the submitters: PubMed 31327001.

NM_014991.6(WDFY3):c.7189G>T (p.Val2397Leu)

Gene: WDFY3 (WD repeat and FYVE domain containing 3; minus strand). Cytogenetic location: 4q21.23.
Variant type: single nucleotide variant.
Coding change: c.7189G>T on transcript NM_014991.6 (MANE Select); coding-DNA position 7189, G replaced by T.
Protein change: p.Val2397Leu; replaces valine 2397 with leucine.
Molecular consequence: missense variant.
Genome position (GRCh38, 1-based): chr4:84,733,414, C>A on the plus strand (G>T on the coding strand, the complement: WDFY3 is on the minus strand). VCF-style: chr4-84733414-C-A. GRCh37 (hg19) VCF-style: chr4-85654567-C-A.
Other names: short protein forms V2397L.
Identifiers: ClinVar variation 1805588 (VCV001805588.1), dbSNP rs372927647, ClinGen allele CA357548306.
Genomic context (GRCh38, chr4:84,733,414, plus strand): 5'-TTGTGATCATTGAATTCTGCATACTCACCGCCACATTTGTCTCTTGCTCAGTTTCTGGCA[C>A]GTAAGGGTAATGGTTATAAAACATATCATTTCGCACCATCTTTTTCCTCATCCTGCAGGG-3'
Protein context (NP_055806.2, residues 2387-2407): NDMFYNHYPY[Val2397Leu]PETEQETNVA